The following is an entry in ClinVar:

NM_001111.5(ADAR):c.1493_1494del (p.Glu498fs)

Gene: ADAR (adenosine deaminase RNA specific; minus strand). Cytogenetic location: 1q21.3.
Variant type: Microsatellite.
Coding change: c.1493_1494del on transcript NM_001111.5 (MANE Select); coding-DNA positions 1493 to 1494, 2 bases deleted (AG; older notation c.1493_1494delAG).
Protein change: p.Glu498fs; shifts the reading frame from glutamic acid 498.
Molecular consequence: frameshift variant.
Genome position (GRCh38, 1-based): chr1:154,601,148-154,601,149, CT deleted on the plus strand (AG on the coding strand, the reverse complement: ADAR is on the minus strand); deleting any 2 consecutive bases within chr1:154,601,148-154,601,151 gives the same sequence; the c. name uses the placement nearest the transcript's 3' end. VCF-style (leftmost placement, unchanged base first): chr1-154601147-ACT-A. GRCh37 (hg19) VCF-style: chr1-154573623-ACT-A.
Other names: c.608_609del, p.Glu203fs (NM_001025107.3, NM_001193495.2, NM_001365046.1 and 3 more transcripts); c.1520_1521del, p.Glu507fs (NM_001365045.1); c.1493_1494del, p.Glu498fs (NM_015840.4, NM_015841.4); short protein forms E498fs, E203fs, E507fs.
Identifiers: ClinVar variation 420164 (VCV000420164.2), dbSNP rs1064794324, ClinGen allele CA16616995.
Genomic context (GRCh38, chr1:154,601,147, plus strand): 5'-AGGTTTGACTAGCGAACTGGGCATATTCTAACAGCCCGCTGATGGGGTTCTTCAGCTGGC[ACT>A]CTGTCAGTTTCTTGTAGGGTGAACACCGTGGCAAGCCATGACTGTAGAAGGAGGGCATCT-3'

ClinVar aggregate classification (germline): Pathogenic (1 of 4 stars; one submission).

Submission:

GeneDx
Classification: Pathogenic. Last evaluated: 2017-02-23. Review status: criteria provided, single submitter. Criteria: GeneDx Variant Classification (06012015). Collection method: clinical testing. Allele origin: germline. Affected: yes.
Comment: The c.1493_1494delAG variant causes a frameshift starting with codon Glutamic acid 498, changes this amino acid to a Valine residue, and creates a premature Stop codon at position 18 of the new reading frame, denoted p.Glu498ValfsX18. This variant is predicted to cause loss of normal protein function either through protein truncation or nonsense-mediated mRNA decay. The c.1493_1494delAG variant is not observed in large population cohorts (Lek et al., 2016; 1000 Genomes Consortium et al., 2015; Exome Variant Server). We interpret c.1493_1494delAG as a pathogenic variant.